The following is an entry in ClinVar:

NM_006231.4(POLE):c.218A>G (p.Asp73Gly)

Gene: POLE (DNA polymerase epsilon, catalytic subunit; minus strand). Cytogenetic location: 12q24.33.
Variant type: single nucleotide variant.
Coding change: c.218A>G on transcript NM_006231.4 (MANE Select); coding-DNA position 218, A replaced by G.
Protein change: p.Asp73Gly; replaces aspartic acid 73 with glycine.
Molecular consequence: missense variant.
Genome position (GRCh38, 1-based): chr12:132,680,674, T>C on the plus strand (A>G on the coding strand, the complement: POLE is on the minus strand). VCF-style: chr12-132680674-T-C. GRCh37 (hg19) VCF-style: chr12-133257260-T-C.
Other names: short protein forms D73G.
Identifiers: ClinVar variation 405626 (VCV000405626.18), dbSNP rs1060500786, ClinGen allele CA16613744.

ClinVar aggregate classification (germline): Uncertain significance. Review status: criteria provided, multiple submitters, no conflicts (2 of 4 stars). 6 submissions from 6 submitters: Uncertain significance (6). Last evaluated 2026-02-01.

Conditions:
Hereditary cancer-predisposing syndrome. Also called: Hereditary neoplastic syndrome; Neoplastic Syndromes, Hereditary; Hereditary Cancer Syndrome; Tumor predisposition. Identifiers: Orphanet 140162, MedGen C0027672, MeSH D009386, MONDO:0015356.
Facial dysmorphism-immunodeficiency-livedo-short stature syndrome. Also called: Facial dysmorphism, immunodeficiency, livedo, and short stature; FILS syndrome. Identifiers: Orphanet 352712, MedGen C3554576, MONDO:0014058, OMIM 615139.
Colorectal cancer, susceptibility to, 12 (CRCS12). Also called: COLORECTAL CANCER, SUSCEPTIBILITY TO, ON CHROMOSOME 12q24. Identifiers: Orphanet 220460, MedGen C3554460, MONDO:0014038, OMIM 615083.
Intrauterine growth retardation, metaphyseal dysplasia, adrenal hypoplasia congenita, genital anomalies, and immunodeficiency. Also called: IMAGEI SYNDROME. Identifiers: MedGen C5193036, MONDO:0032684, OMIM 618336.

Allele frequency attached by ClinVar (database versions not stated): gnomAD exomes below 0.00001 and 0.00001; TOPMed 0.00001; gnomAD 0.00001.
gnomAD v4.1: 19 of 1,613,356 alleles (0.0012%); highest among the groups gnomAD compares: Non-Finnish European, 0.0016%; no homozygotes.

Submissions (6):

Labcorp Genetics (formerly Invitae), Labcorp
Classification: Uncertain significance. Last evaluated: 2026-02-01. Review status: criteria provided, single submitter. Criteria: Invitae Variant Classification Sherloc (09022015). Collection method: clinical testing. Allele origin: germline.
Comment: This sequence change replaces aspartic acid, which is acidic and polar, with glycine, which is neutral and non-polar, at codon 73 of the POLE protein (p.Asp73Gly). This variant is present in population databases (no rsID available, gnomAD 0.0009%). This variant has not been reported in the literature in individuals affected with POLE-related conditions. ClinVar contains an entry for this variant (Variation ID: 405626). Invitae Evidence Modeling of protein sequence and biophysical properties (such as structural, functional, and spatial information, amino acid conservation, physicochemical variation, residue mobility, and thermodynamic stability) has been performed for this missense variant. However, the output from this modeling did not meet the statistical confidence thresholds required to predict the impact of this variant on POLE protein function. RNA analysis performed to evaluate the impact of this missense change on mRNA splicing indicates it does not significantly alter splicing (internal data). In summary, the available evidence is currently insufficient to determine the role of this variant in disease. Therefore, it has been classified as a Variant of Uncertain Significance.

Ambry Genetics
Classification: Uncertain significance for Hereditary cancer-predisposing syndrome. Last evaluated: 2024-12-23. Review status: criteria provided, single submitter. Criteria: Ambry Variant Classification Scheme 2023. Collection method: clinical testing. Allele origin: germline.
Comment: The p.D73G variant (also known as c.218A>G), located in coding exon 3 of the POLE gene, results from an A to G substitution at nucleotide position 218. The aspartic acid at codon 73 is replaced by glycine, an amino acid with similar properties. This amino acid position is highly conserved in available vertebrate species. In addition, the in silico prediction for this alteration is inconclusive. Based on the available evidence, the clinical significance of this variant remains unclear.

GeneDx
Classification: Uncertain significance. Last evaluated: 2024-08-28. Review status: criteria provided, single submitter. Criteria: GeneDx Variant Classification Process June 2021. Collection method: clinical testing. Allele origin: germline.
Comment: Not observed at significant frequency in large population cohorts (gnomAD); In silico analysis supports that this missense variant has a deleterious effect on protein structure/function; Has not been previously published as pathogenic or benign to our knowledge; This variant is associated with the following publications: (PMID: 29056344)

Mayo Clinic Laboratories, Mayo Clinic
Classification: Uncertain significance. Last evaluated: 2023-11-22. Review status: criteria provided, single submitter. Criteria: ACMG Guidelines, 2015. Collection method: clinical testing. Allele origin: germline. Observed: 1 variant allele.

Fulgent Genetics
Classification: Uncertain significance for Colorectal cancer, susceptibility to, 12; Facial dysmorphism-immunodeficiency-livedo-short stature syndrome; Intrauterine growth retardation, metaphyseal dysplasia, adrenal hypoplasia congenita, genital anomalies, and immunodeficiency. Last evaluated: 2022-04-07. Review status: criteria provided, single submitter. Criteria: ACMG Guidelines, 2015. Collection method: clinical testing. Allele origin: unknown.

Laboratory for Molecular Medicine, Mass General Brigham Personalized Medicine
Classification: Uncertain significance. Last evaluated: 2018-08-14. Review status: criteria provided, single submitter. Criteria: LMM Criteria. Collection method: clinical testing. Allele origin: germline. Observed: 1 variant allele.
Comment: The p.Asp73Gly variant in POLE has not been previously reported in individuals w ith colorectal cancer but has been reported by other clinical laboratories in Cl inVar (Variation ID: 405626). It has also been identified in 1/111706 European c hromosomes by the Genome Aggregation Database (gnomAD). Computational prediction tools and conservation analysis suggest that the p.Asp73Gly variant may impact the protein, though this information is not pr edictive enough to determine pathogenicity. In summary, the clinical significanc e of the p.Asp73Gly variant is uncertain. ACMG/AMP Criteria applied: PP3, PM2.